The following is an entry in ClinVar:

NM_001199107.2(TBC1D24):c.167A>T (p.Gln56Leu)

Gene: TBC1D24 (TBC1 domain family member 24; plus strand). Cytogenetic location: 16p13.3.
Variant type: single nucleotide variant.
Coding change: c.167A>T on transcript NM_001199107.2 (MANE Select); coding-DNA position 167, A replaced by T.
Protein change: p.Gln56Leu; replaces glutamine 56 with leucine.
Molecular consequence: missense variant.
Genome position (GRCh38, 1-based): chr16:2,496,315, A>T. VCF-style: chr16-2496315-A-T. GRCh37 (hg19) VCF-style: chr16-2546316-A-T.
Other names: c.167A>T, p.Gln56Leu (NM_020705.3); short protein forms Q56L.
Identifiers: ClinVar variation 1311143 (VCV001311143.5), dbSNP rs2141870903, ClinGen allele CA394374805.
Genomic context (GRCh38, chr16:2,496,315, plus strand): 5'-AGCAGCTGGCGCGCCAGGGCTACTGGGCCCAAAGCCACGCCCTGCGGGGAAAGGTGTACC[A>T]GCGCCTGATCCGGGACATTCCCTGCCGCACGGTCACGCCTGACGCCAGCGTGTACAGCGA-3'
Protein context (NP_001186036.1, residues 46-66): QSHALRGKVY[Gln56Leu]RLIRDIPCRT

ClinVar aggregate classification (germline): Uncertain significance. Review status: criteria provided, multiple submitters, no conflicts (2 of 4 stars). 2 submissions from 2 submitters: Uncertain significance (2). Last evaluated 2021-08-24.

Conditions:
Developmental and epileptic encephalopathy, 1 (DEE1). Also called: X-linked infantile spasms; West's syndrome; Tonic spasms with clustering, arrest of psychomotor development and hypsarrhythmia on EEG; X-Linked Infantile Spasm Syndrome; OHTAHARA SYNDROME, X-LINKED; INFANTILE SPASM SYNDROME, X-LINKED 1. Identifiers: MedGen C3463992, MONDO:0010632, OMIM 308350. Disease mechanism: loss of function.
Autosomal dominant nonsyndromic hearing loss 65. Also called: TBC1D24-Related Autosomal Dominant Nonsyndromic Hearing Loss (DFNA); Deafness, autosomal dominant 65. Identifiers: Orphanet 90635, MedGen C3892048, MONDO:0014470, OMIM 616044.
Caused by mutation in the TBC1 domain family, member 24.

Allele frequency attached by ClinVar (database versions not stated): gnomAD exomes below 0.00001.
gnomAD v4.1: 1 of 1,613,626 alleles (0.000062%); highest among the groups gnomAD compares: Non-Finnish European, 0.000085%; no homozygotes.

Submissions (2):

Labcorp Genetics (formerly Invitae), Labcorp
Classification: Uncertain significance for Developmental and epileptic encephalopathy, 1; Autosomal dominant nonsyndromic hearing loss 65. Last evaluated: 2021-08-24. Review status: criteria provided, single submitter. Criteria: Invitae Variant Classification Sherloc (09022015). Collection method: clinical testing. Allele origin: germline.

GeneDx
Classification: Uncertain significance. Last evaluated: 2019-12-13. Review status: criteria provided, single submitter. Criteria: GeneDx Variant Classification Process June 2021. Collection method: clinical testing. Allele origin: germline. Affected: yes.
Comment: Not observed in large population cohorts (Lek et al., 2016); In silico analysis, which includes protein predictors and evolutionary conservation, supports a deleterious effect; Has not been previously published as pathogenic or benign to our knowledge